The following is an entry in ClinVar:

NM_001243177.4(ALDOA):c.1069G>A (p.Gly357Ser)

Genes: ALDOA (aldolase, fructose-bisphosphate A; plus strand), LOC112694756 (uncharaterized LOC112694756; plus strand). Cytogenetic location: 16p11.2.
Variant type: single nucleotide variant.
Coding change: c.1069G>A on transcript NM_001243177.4 (MANE Select); coding-DNA position 1069, G replaced by A.
Protein change: p.Gly357Ser; replaces glycine 357 with serine.
Molecular consequence: missense variant. On other transcripts: 3 prime UTR variant (3).
Genome position (GRCh38, 1-based): chr16:30,069,937, G>A. VCF-style: chr16-30069937-G-A. GRCh37 (hg19) VCF-style: chr16-30081258-G-A.
Other names: c.*1416G>A (NM_001365304.2, NM_001365305.2, NM_001365307.2); c.907G>A, p.Gly303Ser (NM_001127617.2, NM_184041.5, NM_184043.2); short protein forms G357S, G303S.
Identifiers: ClinVar variation 1508859 (VCV001508859.4), dbSNP rs746068220, ClinGen allele CA8001197.
Genomic context (GRCh38, chr16:30,069,937, plus strand): 5'-AACCTCAATGCCATTAACAAGTGCCCCCTGCTGAAGCCCTGGGCCCTGACCTTCTCCTAC[G>A]GCCGAGCCCTGCAGGCCTCTGCCCTGAAGGCCTGGGGCGGGAAGAAGGAGAACCTGAAGG-3'
Protein context (NP_001230106.1, residues 347-367): LKPWALTFSY[Gly357Ser]RALQASALKA

ClinVar aggregate classification (germline): Uncertain significance (1 of 4 stars; one submission).

Conditions:
HNSHA due to aldolase A deficiency (GSD12). Also called: Glycogen storage disease due to aldolase A deficiency; GLYCOGEN STORAGE DISEASE XII; GSD XII; RED CELL ALDOLASE DEFICIENCY. Identifiers: Orphanet 57, MedGen C0272066, MONDO:0012747, OMIM 611881.

Allele frequency attached by ClinVar (database versions not stated): gnomAD 0.00001; TOPMed 0.00001; ExAC 0.00005; gnomAD exomes 0.00005.
gnomAD v4.1: 22 of 1,613,930 alleles (0.0014%); highest among the groups gnomAD compares: Admixed American, 0.022%; no homozygotes.

Submission:

Labcorp Genetics (formerly Invitae), Labcorp
Classification: Uncertain significance for HNSHA due to aldolase A deficiency. Last evaluated: 2022-06-17. Review status: criteria provided, single submitter. Criteria: Invitae Variant Classification Sherloc (09022015). Collection method: clinical testing. Allele origin: germline.
Comment: In summary, the available evidence is currently insufficient to determine the role of this variant in disease. Therefore, it has been classified as a Variant of Uncertain Significance. Algorithms developed to predict the effect of sequence changes on RNA splicing suggest that this variant may create or strengthen a splice site. Algorithms developed to predict the effect of missense changes on protein structure and function are either unavailable or do not agree on the potential impact of this missense change (SIFT: "Tolerated"; PolyPhen-2: "Probably Damaging"; Align-GVGD: "Class C0"). This variant has not been reported in the literature in individuals affected with ALDOA-related conditions. This variant is present in population databases (rs746068220, gnomAD 0.03%). This sequence change replaces glycine, which is neutral and non-polar, with serine, which is neutral and polar, at codon 303 of the ALDOA protein (p.Gly303Ser).